The following is an entry in ClinVar:

ClinVar aggregate classification (germline): Uncertain significance (1 of 4 stars; one submission).

Allele frequency attached by ClinVar (database versions not stated): gnomAD exomes below 0.00001.
gnomAD v4.1: 1 of 1,614,002 alleles (0.000062%); highest among the groups gnomAD compares: Admixed American, 0.0017%; no homozygotes.

Submission:

Labcorp Genetics (formerly Invitae), Labcorp
Classification: Uncertain significance. Last evaluated: 2023-06-10. Review status: criteria provided, single submitter. Criteria: Invitae Variant Classification Sherloc (09022015). Collection method: clinical testing. Allele origin: germline.
Comment: This sequence change replaces isoleucine, which is neutral and non-polar, with threonine, which is neutral and polar, at codon 258 of the COL9A2 protein (p.Ile258Thr). In summary, the available evidence is currently insufficient to determine the role of this variant in disease. Therefore, it has been classified as a Variant of Uncertain Significance. Advanced modeling of protein sequence and biophysical properties (such as structural, functional, and spatial information, amino acid conservation, physicochemical variation, residue mobility, and thermodynamic stability) performed at Invitae indicates that this missense variant is not expected to disrupt COL9A2 protein function. This variant has not been reported in the literature in individuals affected with COL9A2-related conditions. This variant is not present in population databases (gnomAD no frequency).

NM_001852.4(COL9A2):c.773T>C (p.Ile258Thr)

Gene: COL9A2 (collagen type IX alpha 2 chain; minus strand). Cytogenetic location: 1p34.2.
Variant type: single nucleotide variant.
Coding change: c.773T>C on transcript NM_001852.4 (MANE Select); coding-DNA position 773, T replaced by C.
Protein change: p.Ile258Thr; replaces isoleucine 258 with threonine.
Molecular consequence: missense variant.
Genome position (GRCh38, 1-based): chr1:40,310,130, A>G on the plus strand (T>C on the coding strand, the complement: COL9A2 is on the minus strand). VCF-style: chr1-40310130-A-G. GRCh37 (hg19) VCF-style: chr1-40775802-A-G.
Other names: short protein forms I258T.
Identifiers: ClinVar variation 2874549 (VCV002874549.3), dbSNP rs1557800693, ClinGen allele CA339853900.
Genomic context (GRCh38, chr1:40,310,130, plus strand): 5'-GAGCTCCAGCCTCAGGGGTAGGGGAGCAAAAAGAGGCTTACCGGTGGCCCAGTGGCACCG[A>G]TAGCGCCCACCATGCCTTTATATCCATGAGGGCCCTGGGGAGAGGAAAGGGTTGCAGGTC-3'
Protein context (NP_001843.1, residues 248-268): PHGYKGMVGA[Ile258Thr]GATGPPGEEG